The following is an entry in ClinVar:

ClinVar aggregate classification (germline): Uncertain significance. Review status: criteria provided, multiple submitters, no conflicts (2 of 4 stars). 2 submissions from 2 submitters: Uncertain significance (2). Last evaluated 2024-11-05.

Conditions:
Primary ciliary dyskinesia. Also called: Ciliary dyskinesia. Identifiers: Orphanet 244, MedGen C0008780, MONDO:0016575, HP:0012265.
Joubert syndrome. Also called: JOUBERT-BOLTSHAUSER SYNDROME; Familial aplasia of the vermis. Identifiers: Orphanet 475, MedGen C5979921, MONDO:0018772.
Orofaciodigital syndrome I (OFD1). Also called: OFDS I; Papillon-Leage and Psaume Syndrome; Oral-Facial-Digital Syndrome Type I. Identifiers: Orphanet 2750, MedGen C1510460, MONDO:0010702, OMIM 311200.

Allele frequency attached by ClinVar (database versions not stated): TOPMed 0.00001; gnomAD exomes 0.00002; gnomAD 0.00005; ESP Exome Variant Server 0.00009; 1000 Genomes Project 30x 0.00021; 1000 Genomes Project 0.00026.
gnomAD v4.1: 23 of 1,202,166 alleles (0.0019%); highest among the groups gnomAD compares: Non-Finnish European, 0.0024%; no homozygotes.

Submissions (2):

Labcorp Genetics (formerly Invitae), Labcorp
Classification: Uncertain significance for Orofaciodigital syndrome I; Joubert syndrome. Last evaluated: 2024-11-05. Review status: criteria provided, single submitter. Criteria: Invitae Variant Classification Sherloc (09022015). Collection method: clinical testing. Allele origin: germline.
Comment: This sequence change replaces methionine, which is neutral and non-polar, with threonine, which is neutral and polar, at codon 293 of the OFD1 protein (p.Met293Thr). This variant is present in population databases (rs189679507, gnomAD 0.002%). This variant has not been reported in the literature in individuals affected with OFD1-related conditions. ClinVar contains an entry for this variant (Variation ID: 1764665). Invitae Evidence Modeling of protein sequence and biophysical properties (such as structural, functional, and spatial information, amino acid conservation, physicochemical variation, residue mobility, and thermodynamic stability) has been performed for this missense variant. However, the output from this modeling did not meet the statistical confidence thresholds required to predict the impact of this variant on OFD1 protein function. In summary, the available evidence is currently insufficient to determine the role of this variant in disease. Therefore, it has been classified as a Variant of Uncertain Significance.

Ambry Genetics
Classification: Uncertain significance for Primary ciliary dyskinesia. Last evaluated: 2017-09-21. Review status: criteria provided, single submitter. Criteria: Ambry Variant Classification Scheme 2023. Collection method: clinical testing. Allele origin: germline.
Comment: The p.M293T variant (also known as c.878T>C), located in coding exon 9 of the OFD1 gene, results from a T to C substitution at nucleotide position 878. The methionine at codon 293 is replaced by threonine, an amino acid with similar properties. This amino acid position is not well conserved in available vertebrate species. In addition, the in silico prediction for this alteration is inconclusive. Since supporting evidence is limited at this time, the clinical significance of this alteration remains unclear.

NM_003611.3(OFD1):c.878T>C (p.Met293Thr)

Gene: OFD1 (OFD1 centriole and centriolar satellite protein; plus strand). Cytogenetic location: Xp22.2.
Variant type: single nucleotide variant.
Coding change: c.878T>C on transcript NM_003611.3 (MANE Select); coding-DNA position 878, T replaced by C.
Protein change: p.Met293Thr; replaces methionine 293 with threonine.
Molecular consequence: missense variant.
Genome position (GRCh38, 1-based): chrX:13,749,476, T>C. VCF-style: chrX-13749476-T-C. GRCh37 (hg19) VCF-style: chrX-13767595-T-C.
Other names: c.878T>C, p.Met293Thr (NM_001330209.2); c.458T>C, p.Met153Thr (NM_001330210.2); short protein forms M293T, M153T.
Identifiers: ClinVar variation 1764665 (VCV001764665.5), dbSNP rs189679507, ClinGen allele CA10351706.